The following is an entry in ClinVar:

ClinVar aggregate classification (germline): Conflicting classifications of pathogenicity. Review status: criteria provided, conflicting classifications (1 of 4 stars). 7 submissions from 7 submitters: Uncertain significance (6); Likely benign (1). Last evaluated 2024-12-30.

Conditions:
Hereditary cancer-predisposing syndrome. Also called: Neoplastic Syndromes, Hereditary; Hereditary neoplastic syndrome; Hereditary Cancer Syndrome; Tumor predisposition. Identifiers: Orphanet 140162, MedGen C0027672, MeSH D009386, MONDO:0015356.
Familial cancer of breast. Also called: hereditary breast carcinoma; BREAST CANCER, FAMILIAL; Hereditary breast cancer. Identifiers: Orphanet 227535, MedGen C0346153, MONDO:0016419, OMIM 114480. Disease mechanism: loss of function.
Breast-ovarian cancer, familial, susceptibility to, 2 (BROVCA2). Also called: BRCA2 Hereditary Breast and Ovarian Cancer. Identifiers: Orphanet 145, MedGen C2675520, MONDO:0012933, OMIM 612555. Disease mechanism: loss of function.
Fanconi anemia complementation group D1. Also called: BRCA2-Related Fanconi Anemia. Identifiers: Orphanet 319462, MedGen C1838457, MONDO:0011584, OMIM 605724.
Medulloblastoma (MDB). Also called: Medulloblastoma, somatic; MEDULLOBLASTOMA PREDISPOSITION SYNDROME. Identifiers: Orphanet 616, MedGen C0025149, MeSH D008527, MONDO:0007959, OMIM 155255, HP:0002885.
Prostate cancer. Also called: Malignant tumor of prostate. Identifiers: Orphanet 1331, MedGen C0376358, MONDO:0008315, HP:0012125.
Wilms tumor 1 (WT1). Also called: Wilms tumor, somatic. Identifiers: Orphanet 654, MedGen CN033288, MONDO:0008679, OMIM 194070.
Pancreatic cancer, susceptibility to, 2. Identifiers: Orphanet 1333, MedGen C3150546, MONDO:0013235, OMIM 613347.
Glioma susceptibility 3 (GLM3). Also called: Glioblastoma 3. Identifiers: Orphanet 182067, Orphanet 360, MedGen C2751641, MONDO:0013093, OMIM 613029.
Hereditary breast ovarian cancer syndrome. Also called: BRCA1- and BRCA2-Associated Hereditary Breast and Ovarian Cancer; Hereditary breast and ovarian cancer syndrome; Hereditary breast and ovarian cancer syndrome (HBOC); Hereditary breast and ovarian cancer; Breast and ovarian cancer; Hereditary breast and/or ovarian cancer syndrome. Identifiers: Orphanet 145, MedGen C0677776, MeSH D061325, MONDO:0003582. Disease mechanism: loss of function.

Submissions (7):

Labcorp Genetics (formerly Invitae), Labcorp
Classification: Uncertain significance for Hereditary breast ovarian cancer syndrome. Last evaluated: 2024-12-30. Review status: criteria provided, single submitter. Criteria: Invitae Variant Classification Sherloc (09022015). Collection method: clinical testing. Allele origin: germline.
Comment: This sequence change replaces leucine, which is neutral and non-polar, with isoleucine, which is neutral and non-polar, at codon 428 of the BRCA2 protein (p.Leu428Ile). This variant is not present in population databases (gnomAD no frequency). This variant has not been reported in the literature in individuals affected with BRCA2-related conditions. ClinVar contains an entry for this variant (Variation ID: 187437). Invitae Evidence Modeling of protein sequence and biophysical properties (such as structural, functional, and spatial information, amino acid conservation, physicochemical variation, residue mobility, and thermodynamic stability) indicates that this missense variant is not expected to disrupt BRCA2 protein function with a negative predictive value of 95%. In summary, the available evidence is currently insufficient to determine the role of this variant in disease. Therefore, it has been classified as a Variant of Uncertain Significance.

Ambry Genetics
Classification: Uncertain significance for Hereditary cancer-predisposing syndrome. Last evaluated: 2024-07-31. Review status: criteria provided, single submitter. Criteria: Ambry Variant Classification Scheme 2023. Collection method: clinical testing. Allele origin: germline.
Comment: The p.L428I variant (also known as c.1282C>A), located in coding exon 9 of the BRCA2 gene, results from a C to A substitution at nucleotide position 1282. The leucine at codon 428 is replaced by isoleucine, an amino acid with highly similar properties. This amino acid position is not well conserved in available vertebrate species. In addition, this alteration is predicted to be tolerated by in silico analysis. Since supporting evidence is limited at this time, the clinical significance of this alteration remains unclear.

KCCC/NGS Laboratory, Kuwait Cancer Control Center
Classification: Uncertain significance for Breast-ovarian cancer, familial, susceptibility to, 2. Last evaluated: 2023-06-06. Review status: criteria provided, single submitter. Criteria: ACMG Guidelines, 2015. Collection method: clinical testing. Allele origin: germline. Affected: yes.
Comment: This sequence change replaces leucine with isoleucine at codon 428 of the BRCA2 protein (p.Leu428Ile). This variant is not present in population databases (gnomAD). This variant has not been reported in the literature in individuals with BRCA2-related disease. ClinVar contains an entry for this variant (Variation ID: 187437) with 4 submissions, two stars, and no conflict. In-silico prediction algorithms show benign computational verdict based on 9 benign predictions from BayesDel_addAF, DANN, EIGEN, FATHMM-MKL, MVP, MutationTaster, PrimateAI, REVEL and SIFT vs 1 pathogenic prediction from M-CAP and the position is not strongly conserved, and there is a small physicochemical difference between leucine and isoleucine. The isoleucine amino acid residue is found in multiple mammalian species, suggesting that this missense change does not adversely affect protein function. These predictions have not been confirmed by published functional studies and their clinical significance is uncertain. Therefore, it has been classified as a Variant of Uncertain Significance. Pathogenic/likely pathogenic variants in the BRCA2 gene are known to cause hereditary breast/ovarian cancer syndrome (OMIM 612555).

University of Washington Department of Laboratory Medicine, University of Washington
Classification: Likely benign for Hereditary cancer-predisposing syndrome. Last evaluated: 2023-03-23. Review status: criteria provided, single submitter. Criteria: Dines et al. (Genet Med. 2020). Collection method: curation. Allele origin: germline.
Comment: Missense variant in a coldspot region where missense variants are very unlikely to be pathogenic (PMID:31911673).

BRCA2 exon 10 coldspot. Reclassification based on statistical prior probability.

GeneDx
Classification: Uncertain significance. Last evaluated: 2021-04-14. Review status: criteria provided, single submitter. Criteria: GeneDx Variant Classification Process June 2021. Collection method: clinical testing. Allele origin: germline. Affected: yes.
Comment: Not observed in large population cohorts (Lek 2016); In silico analysis supports that this missense variant does not alter protein structure/function; Has not been previously published as pathogenic or benign to our knowledge; Also known as 1510C>A

Fulgent Genetics
Classification: Uncertain significance for Familial cancer of breast; Medulloblastoma; Familial prostate cancer; Wilms tumor 1; Fanconi anemia complementation group D1; Breast-ovarian cancer, familial, susceptibility to, 2; Glioma susceptibility 3; Pancreatic cancer, susceptibility to, 2. Last evaluated: 2018-10-31. Review status: criteria provided, single submitter. Criteria: ACMG Guidelines, 2015. Collection method: clinical testing. Allele origin: unknown.

Quest Diagnostics Nichols Institute San Juan Capistrano
Classification: Uncertain significance. Last evaluated: 2017-05-06. Review status: criteria provided, single submitter. Criteria: Quest Diagnostics criteria. Collection method: clinical testing. Allele origin: germline.

NM_000059.4(BRCA2):c.1282C>A (p.Leu428Ile)

Gene: BRCA2 (BRCA2 DNA repair associated; plus strand). Cytogenetic location: 13q13.1.
Variant type: single nucleotide variant.
Coding change: c.1282C>A on transcript NM_000059.4 (MANE Select); coding-DNA position 1282, C replaced by A.
Protein change: p.Leu428Ile; replaces leucine 428 with isoleucine.
Molecular consequence: missense variant.
Genome position (GRCh38, 1-based): chr13:32,332,760, C>A. VCF-style: chr13-32332760-C-A. GRCh37 (hg19) VCF-style: chr13-32906897-C-A.
Other names: short protein forms L428I.
Identifiers: ClinVar variation 187437 (VCV000187437.24), dbSNP rs547590567, ClinGen allele CA011452.